The following is an entry in ClinVar:

NM_000051.4(ATM):c.2164T>C (p.Leu722=)

Gene: ATM (ATM serine/threonine kinase; plus strand). Cytogenetic location: 11q22.3.
Variant type: single nucleotide variant.
Coding change: c.2164T>C on transcript NM_000051.4 (MANE Select); coding-DNA position 2164, T replaced by C.
Protein change: p.Leu722=; no amino-acid change (leucine 722 retained).
Molecular consequence: synonymous variant.
Genome position (GRCh38, 1-based): chr11:108,256,254, T>C. VCF-style: chr11-108256254-T-C. GRCh37 (hg19) VCF-style: chr11-108126981-T-C.
Other names: c.2164T>C, p.Leu722= (NM_001351834.2).
Identifiers: ClinVar variation 1989485 (VCV001989485.6), dbSNP rs2497357603, ClinGen allele CA476672508.

ClinVar aggregate classification (germline): Conflicting classifications of pathogenicity. Review status: criteria provided, conflicting classifications (1 of 4 stars). 3 submissions from 3 submitters: Uncertain significance (1); Likely benign (2). Last evaluated 2024-11-04.

Conditions:
Ataxia-telangiectasia syndrome (AT). Also called: Ataxia telangiectasia (A-T); Cerebello-oculocutaneous telangiectasia; Immunodeficiency with ataxia telangiectasia; Ataxia-telangiectasia, complementation group D; Ataxia-telangiectasia, complementation group E; LOUIS-BAR SYNDROME. Identifiers: Orphanet 100, MedGen C0004135, MONDO:0008840, OMIM 208900.
Hereditary cancer-predisposing syndrome. Also called: Hereditary Cancer Syndrome; Neoplastic Syndromes, Hereditary; Hereditary neoplastic syndrome; Tumor predisposition. Identifiers: Orphanet 140162, MedGen C0027672, MeSH D009386, MONDO:0015356.

Submissions (3):

Labcorp Genetics (formerly Invitae), Labcorp
Classification: Likely benign for Ataxia-telangiectasia syndrome. Last evaluated: 2024-11-04. Review status: criteria provided, single submitter. Criteria: Invitae Variant Classification Sherloc (09022015). Collection method: clinical testing. Allele origin: germline.

Quest Diagnostics Nichols Institute San Juan Capistrano
Classification: Uncertain significance. Last evaluated: 2024-10-17. Review status: criteria provided, single submitter. Criteria: Quest Diagnostics criteria. Collection method: clinical testing. Allele origin: unknown.
Comment: This variant has not been reported in large, multi-ethnic general populations (Genome Aggregation Database). Analysis of this variant using software algorithms for the prediction of the effect of nucleotide changes on splicing yielded predictions that this variant does not affect ATM mRNA splicing. Based on the available information, we are unable to determine the clinical significance of this variant.

Ambry Genetics
Classification: Likely benign for Hereditary cancer-predisposing syndrome. Last evaluated: 2024-06-07. Review status: criteria provided, single submitter. Criteria: Ambry Variant Classification Scheme 2023. Collection method: clinical testing. Allele origin: germline.

Literature cited by the submitters: PubMed 31882575 (cited by Quest Diagnostics Nichols Institute San Juan Capistrano).